The following is an entry in ClinVar:

NM_005609.4(PYGM):c.1772_1773del (p.Ile591fs)

Gene: PYGM (glycogen phosphorylase, muscle associated; minus strand). Cytogenetic location: 11q13.1.
Variant type: Deletion.
Coding change: c.1772_1773del on transcript NM_005609.4 (MANE Select); coding-DNA positions 1772 to 1773, 2 bases deleted (TC; older notation c.1772_1773delTC).
Protein change: p.Ile591fs; shifts the reading frame from isoleucine 591.
Molecular consequence: frameshift variant.
Genome position (GRCh38, 1-based): chr11:64,751,651-64,751,652, GA deleted on the plus strand (TC on the coding strand, the reverse complement: PYGM is on the minus strand). VCF-style (leftmost placement, unchanged base first): chr11-64751650-TGA-T. GRCh37 (hg19) VCF-style: chr11-64519122-TGA-T.
Other names: c.1508_1509del, p.Ile503fs (NM_001164716.1); short protein forms I503fs, I591fs.
Identifiers: ClinVar variation 5010513 (VCV005010513.1).
Genomic context (GRCh38, chr11:64,751,650, plus strand): 5'-TTCTCACCTTCCCTCCAATCATCACAGTCCGAGGCACAAAAAACTTATTGGGCTCCCTCT[TGA>T]TGCCTGTGGAGAAACGAGAGGGATCCAGTGGGCCTACCTTTCCCTCTGGGTAGTAGCTCC-3'

ClinVar aggregate classification (germline): Pathogenic (1 of 4 stars; one submission).

Conditions:
Glycogen storage disease, type V (GSD5). Also called: MCARDLE DISEASE; MUSCLE GLYCOGEN PHOSPHORYLASE DEFICIENCY; MYOPHOSPHORYLASE DEFICIENCY; PYGM DEFICIENCY; McArdle type glycogen storage disease. Identifiers: Orphanet 368, MedGen C0017924, MONDO:0009293, OMIM 232600.

Submission:

Myriad Genetics, Inc.
Classification: Pathogenic for Glycogen storage disease, type V. Last evaluated: 2024-05-14. Review status: criteria provided, single submitter. Criteria: Myriad Autosomal Dominant, Autosomal Recessive and X-Linked Classification Criteria (2023). Collection method: clinical testing. Allele origin: unknown.
Comment: NM_005609.2(PYGM):c.1772_1773delTC(I591Kfs*6) is expected to be pathogenic in the context of glycogen storage disease, PYGM-related. This variant is predicted to lead to an abnormal or absent protein product due to the creation of a premature termination codon in PYGM, a gene where loss-of-function variants are known to be pathogenic. Please note: this variant was assessed in the context of healthy population screening.